The following is an entry in ClinVar:

NM_006073.4(TRDN):c.91del (p.Val31fs)

Gene: TRDN (triadin; minus strand). Cytogenetic location: 6q22.31.
Variant type: Deletion.
Coding change: c.91del on transcript NM_006073.4 (MANE Select); coding-DNA position 91, one base deleted (G; older notation c.91delG).
Protein change: p.Val31fs; shifts the reading frame from valine 31.
Molecular consequence: frameshift variant.
Genome position (GRCh38, 1-based): chr6:123,571,064, C deleted on the plus strand (G on the coding strand, the reverse complement: TRDN is on the minus strand). VCF-style (leftmost placement, unchanged base first): chr6-123571063-AC-A. GRCh37 (hg19) VCF-style: chr6-123892208-AC-A.
Other names: c.91del, p.Val31fs (NM_001251987.2, NM_001256020.2, NM_001256021.2 and 1 more transcripts); short protein forms V31fs.
Identifiers: ClinVar variation 1458047 (VCV001458047.9), dbSNP rs2114537918, ClinGen allele CA2573140532.

ClinVar aggregate classification (germline): Pathogenic (1 of 4 stars; one submission).

Conditions:
Catecholaminergic polymorphic ventricular tachycardia 1. Also called: RYR2-Related Catecholaminergic Polymorphic Ventricular Tachycardia; VENTRICULAR TACHYCARDIA, STRESS-INDUCED POLYMORPHIC 1; VENTRICULAR TACHYCARDIA, CATECHOLAMINERGIC POLYMORPHIC, 1, WITH OR WITHOUT ATRIAL DYSFUNCTION AND/OR DILATED CARDIOMYOPATHY. Identifiers: Orphanet 3286, MedGen C1631597, MONDO:0011484, OMIM 604772.

Submission:

Labcorp Genetics (formerly Invitae), Labcorp
Classification: Pathogenic for Catecholaminergic polymorphic ventricular tachycardia 1. Last evaluated: 2021-06-23. Review status: criteria provided, single submitter. Criteria: Invitae Variant Classification Sherloc (09022015). Collection method: clinical testing. Allele origin: germline.
Comment: For these reasons, this variant has been classified as Pathogenic. This variant has not been reported in the literature in individuals with TRDN-related conditions. This sequence change creates a premature translational stop signal (p.Val31Cysfs*2) in the TRDN gene. It is expected to result in an absent or disrupted protein product. This variant occurs within the short isoform of TRDN, also known as Trisk-32. Loss-of-function variants in the short isoform of TRDN are known to be pathogenic (PMID: 10497235, 22422768, 26200674). This variant is not present in population databases (ExAC no frequency).

Literature cited by the submitters: PubMed 10497235; PubMed 22422768; PubMed 26200674.